The following is an entry in ClinVar:

ClinVar aggregate classification (germline): Likely benign. Review status: criteria provided, multiple submitters, no conflicts (2 of 4 stars). 2 submissions from 2 submitters: Likely benign (2). Last evaluated 2025-07-23.

Conditions:
Neurodevelopmental disorder with hypotonia, stereotypic hand movements, and impaired language. Also called: Intellectual disability, autosomal dominant 20. Identifiers: Orphanet 228384, Orphanet 664410, MedGen C3150700, MONDO:0013266, OMIM 613443.

Allele frequency attached by ClinVar (database versions not stated): TOPMed 0.00003; gnomAD 0.00004 and 0.00005; gnomAD exomes 0.00004; ExAC 0.00005.
gnomAD v4.1: 68 of 1,612,654 alleles (0.0042%); highest among the groups gnomAD compares: South Asian, 0.0088%; no homozygotes.

Submissions (2):

Labcorp Genetics (formerly Invitae), Labcorp
Classification: Likely benign for Neurodevelopmental disorder with hypotonia, stereotypic hand movements, and impaired language. Last evaluated: 2025-07-23. Review status: criteria provided, single submitter. Criteria: Invitae Variant Classification Sherloc (09022015). Collection method: clinical testing. Allele origin: germline.

GeneDx
Classification: Likely benign. Last evaluated: 2016-07-27. Review status: criteria provided, single submitter. Criteria: GeneDx Variant Classification (06012015). Collection method: clinical testing. Allele origin: germline. Affected: yes.
Comment: This variant is considered likely benign or benign based on one or more of the following criteria: it is a conservative change, it occurs at a poorly conserved position in the protein, it is predicted to be benign by multiple in silico algorithms, and/or has population frequency not consistent with disease.

NM_002397.5(MEF2C):c.871T>C (p.Leu291=)

Gene: MEF2C (myocyte enhancer factor 2C; minus strand). Cytogenetic location: 5q14.3.
Variant type: single nucleotide variant.
Coding change: c.871T>C on transcript NM_002397.5 (MANE Select); coding-DNA position 871, T replaced by C.
Protein change: p.Leu291=; no amino-acid change (leucine 291 retained).
Molecular consequence: synonymous variant.
Genome position (GRCh38, 1-based): chr5:88,729,311, A>G on the plus strand (T>C on the coding strand, the complement: MEF2C is on the minus strand). VCF-style: chr5-88729311-A-G. GRCh37 (hg19) VCF-style: chr5-88025128-A-G.
Other names: c.841T>C, p.Leu281= (NM_001131005.2, NM_001364343.2, NM_001364352.2); c.901T>C, p.Leu301= (NM_001193347.1, NM_001364338.2); c.703T>C, p.Leu235= (NM_001193348.1); c.727T>C, p.Leu243= (NM_001193349.3, NM_001364332.2, NM_001364344.2 and 2 more transcripts); c.871T>C, p.Leu291= (NM_001193350.2, NM_001363581.2, NM_001364329.2 and 9 more transcripts); c.847T>C, p.Leu283= (NM_001308002.3, NM_001364333.2, NM_001364339.2 and 6 more transcripts); c.493T>C, p.Leu165= (NM_001364353.2, NM_001364356.2); c.421T>C, p.Leu141= (NM_001364357.2).
Identifiers: ClinVar variation 379345 (VCV000379345.10), dbSNP rs747980554, ClinGen allele CA3337221.
Genomic context (GRCh38, chr5:88,729,311, plus strand): 5'-ATCCTCCCATTCCTTGTCCTGGTAAAGTAGGAGTTGCTACGGAAACCACTGGGGTAGCCA[A>G]TGACTGAGCCGACTGGGAGTTATTTATCCTTTGATTCTTTTAAAATAAATAAAAAGACAT-3'
Protein context (NP_002388.2, residues 281-301): RINNSQSAQS[Leu291=]ATPVVSVATP